The following is an entry in ClinVar:

ClinVar aggregate classification (germline): Uncertain significance (1 of 4 stars; one submission).

Submission:

Ambry Genetics
Classification: Uncertain significance. Last evaluated: 2022-12-26. Review status: criteria provided, single submitter. Criteria: Ambry Variant Classification Scheme 2023. Collection method: clinical testing. Allele origin: germline.
Comment: The p.C1041Y variant (also known as c.3122G>A), located in coding exon 25 of the BUB1 gene, results from a G to A substitution at nucleotide position 3122. The cysteine at codon 1041 is replaced by tyrosine, an amino acid with highly dissimilar properties. This amino acid position is conserved. In addition, this alteration is predicted to be tolerated by in silico analysis. Since supporting evidence is limited at this time, the clinical significance of this alteration remains unclear.

NM_004336.5(BUB1):c.3122G>A (p.Cys1041Tyr)

Gene: BUB1 (BUB1 mitotic checkpoint serine/threonine kinase; minus strand). Cytogenetic location: 2q13.
Variant type: single nucleotide variant.
Coding change: c.3122G>A on transcript NM_004336.5 (MANE Select); coding-DNA position 3122, G replaced by A.
Protein change: p.Cys1041Tyr; replaces cysteine 1041 with tyrosine.
Molecular consequence: missense variant.
Genome position (GRCh38, 1-based): chr2:110,638,100, C>T on the plus strand (G>A on the coding strand, the complement: BUB1 is on the minus strand). VCF-style: chr2-110638100-C-T. GRCh37 (hg19) VCF-style: chr2-111395677-C-T.
Other names: c.3062G>A, p.Cys1021Tyr (NM_001278616.2); c.2951G>A, p.Cys984Tyr (NM_001278617.2); short protein forms C1041Y, C1021Y, C984Y.
Identifiers: ClinVar variation 2451246 (VCV002451246.2), dbSNP rs2467963510, ClinGen allele CA348088502.